The following is an entry in ClinVar:

NM_004304.5(ALK):c.2488A>G (p.Met830Val)

Gene: ALK (ALK receptor tyrosine kinase; minus strand). Cytogenetic location: 2p23.2.
Variant type: single nucleotide variant.
Coding change: c.2488A>G on transcript NM_004304.5 (MANE Select); coding-DNA position 2488, A replaced by G.
Protein change: p.Met830Val; replaces methionine 830 with valine.
Molecular consequence: missense variant.
Genome position (GRCh38, 1-based): chr2:29,232,448, T>C on the plus strand (A>G on the coding strand, the complement: ALK is on the minus strand). VCF-style: chr2-29232448-T-C. GRCh37 (hg19) VCF-style: chr2-29455314-T-C.
Other names: short protein forms M830V.
Identifiers: ClinVar variation 3223836 (VCV003223836.1), dbSNP rs780536554, ClinGen allele CA346472068.

ClinVar aggregate classification (germline): Uncertain significance (1 of 4 stars; one submission).

Conditions:
Hereditary cancer-predisposing syndrome. Also called: Tumor predisposition; Hereditary neoplastic syndrome; Hereditary Cancer Syndrome; Neoplastic Syndromes, Hereditary. Identifiers: Orphanet 140162, MedGen C0027672, MeSH D009386, MONDO:0015356.

Submission:

Ambry Genetics
Classification: Uncertain significance for Hereditary cancer-predisposing syndrome. Last evaluated: 2023-11-30. Review status: criteria provided, single submitter. Criteria: Ambry Variant Classification Scheme 2023. Collection method: clinical testing. Allele origin: germline.
Comment: The p.M830V variant (also known as c.2488A>G) is located in coding exon 15 of the ALK gene. The methionine at codon 830 is replaced by valine, an amino acid with highly similar properties. This change occurs in the first base pair of coding exon 15. This amino acid position is conserved. In addition, this alteration is predicted to be tolerated by in silico analysis. Since supporting evidence is limited at this time, the clinical significance of this alteration remains unclear.